The following is an entry in ClinVar:

NM_000179.3(MSH6):c.1548C>T (p.Ile516=)

Gene: MSH6 (mutS homolog 6; plus strand). Cytogenetic location: 2p16.3.
Variant type: single nucleotide variant.
Coding change: c.1548C>T on transcript NM_000179.3 (MANE Select); coding-DNA position 1548, C replaced by T.
Protein change: p.Ile516=; no amino-acid change (isoleucine 516 retained).
Molecular consequence: synonymous variant.
Genome position (GRCh38, 1-based): chr2:47,799,531, C>T. VCF-style: chr2-47799531-C-T. GRCh37 (hg19) VCF-style: chr2-48026670-C-T.
Other names: c.1158C>T, p.Ile386= (NM_001281492.2); c.642C>T, p.Ile214= (NM_001281493.2, NM_001281494.2).
Identifiers: ClinVar variation 744758 (VCV000744758.11), dbSNP rs1572723373, ClinGen allele CA426121220.

ClinVar aggregate classification (germline): Conflicting classifications of pathogenicity. Review status: criteria provided, conflicting classifications (1 of 4 stars). 4 submissions from 4 submitters: Uncertain significance (1); Benign (1); Likely benign (2). Last evaluated 2026-04-02.

Conditions:
Hereditary nonpolyposis colorectal neoplasms. Identifiers: MedGen C0009405, MeSH D003123.
Lynch syndrome 5 (LYNCH5). Also called: Colorectal cancer, hereditary nonpolyposis, type 5; Hereditary non-polyposis colorectal cancer, type 5. Identifiers: Orphanet 144, MedGen C1833477, MONDO:0013710, OMIM 614350. Disease mechanism: loss of function.
Hereditary cancer-predisposing syndrome. Also called: Tumor predisposition; Hereditary neoplastic syndrome; Neoplastic Syndromes, Hereditary; Hereditary Cancer Syndrome. Identifiers: Orphanet 140162, MedGen C0027672, MeSH D009386, MONDO:0015356.

Allele frequency attached by ClinVar (database versions not stated): gnomAD exomes below 0.00001.
gnomAD v4.1: 1 of 1,614,136 alleles (0.000062%); highest among the groups gnomAD compares: Non-Finnish European, 0.000085%; no homozygotes.

Submissions (4):

Ambry Genetics
Classification: Likely benign for Hereditary cancer-predisposing syndrome. Last evaluated: 2026-04-02. Review status: criteria provided, single submitter. Criteria: Ambry Variant Classification Scheme 2023. Collection method: clinical testing. Allele origin: germline.

Myriad Genetics, Inc.
Classification: Benign for Lynch syndrome 5. Last evaluated: 2024-12-27. Review status: criteria provided, single submitter. Criteria: Myriad Autosomal Dominant, Autosomal Recessive and X-Linked Classification Criteria (2023). Collection method: clinical testing. Allele origin: unknown.
Comment: This variant is considered benign. This variant is a silent/synonymous amino acid change and it is not expected to impact splicing.

Blueprint Genetics
Classification: Uncertain significance. Last evaluated: 2019-06-25. Review status: criteria provided, single submitter. Criteria: ACMG Guidelines, 2015. Collection method: clinical testing. Allele origin: germline.

Labcorp Genetics (formerly Invitae), Labcorp
Classification: Likely benign for Hereditary nonpolyposis colorectal neoplasms. Last evaluated: 2018-02-08. Review status: criteria provided, single submitter. Criteria: Invitae Variant Classification Sherloc (09022015). Collection method: clinical testing. Allele origin: germline.